The following is an entry in ClinVar:

ClinVar aggregate classification (germline): Uncertain significance (1 of 4 stars; one submission).

gnomAD v4.1: 37 of 1,614,038 alleles (0.0023%); highest among the groups gnomAD compares: Non-Finnish European, 0.0031%; no homozygotes.

Submission:

Labcorp Genetics (formerly Invitae), Labcorp
Classification: Uncertain significance. Last evaluated: 2024-08-23. Review status: criteria provided, single submitter. Criteria: Invitae Variant Classification Sherloc (09022015). Collection method: clinical testing. Allele origin: germline.
Comment: This sequence change replaces proline, which is neutral and non-polar, with threonine, which is neutral and polar, at codon 552 of the ARHGAP31 protein (p.Pro552Thr). This variant is present in population databases (rs370183659, gnomAD 0.0009%). This variant has not been reported in the literature in individuals affected with ARHGAP31-related conditions. An algorithm developed to predict the effect of missense changes on protein structure and function outputs the following: PolyPhen-2: "Benign". The threonine amino acid residue is found in multiple mammalian species, which suggests that this missense change does not adversely affect protein function. In summary, the available evidence is currently insufficient to determine the role of this variant in disease. Therefore, it has been classified as a Variant of Uncertain Significance.

NM_020754.4(ARHGAP31):c.1654C>A (p.Pro552Thr)

Gene: ARHGAP31 (Rho GTPase activating protein 31; plus strand). Cytogenetic location: 3q13.33.
Variant type: single nucleotide variant.
Coding change: c.1654C>A on transcript NM_020754.4 (MANE Select); coding-DNA position 1654, C replaced by A.
Protein change: p.Pro552Thr; replaces proline 552 with threonine.
Molecular consequence: missense variant.
Genome position (GRCh38, 1-based): chr3:119,409,504, C>A. VCF-style: chr3-119409504-C-A. GRCh37 (hg19) VCF-style: chr3-119128351-C-A.
Other names: short protein forms P552T.
Identifiers: ClinVar variation 3625273 (VCV003625273.2).